The following is an entry in ClinVar:

NM_000528.4(MAN2B1):c.1204G>T (p.Glu402Ter)

Gene: MAN2B1 (mannosidase alpha class 2B member 1; minus strand). Cytogenetic location: 19p13.13.
Variant type: single nucleotide variant.
Coding change: c.1204G>T on transcript NM_000528.4 (MANE Select); coding-DNA position 1204, G replaced by T.
Protein change: p.Glu402Ter; replaces glutamic acid 402 with a stop codon.
Molecular consequence: nonsense.
Genome position (GRCh38, 1-based): chr19:12,658,250, C>A on the plus strand (G>T on the coding strand, the complement: MAN2B1 is on the minus strand). VCF-style: chr19-12658250-C-A. GRCh37 (hg19) VCF-style: chr19-12769064-C-A.
Other names: c.1201G>T, p.Glu401Ter (NM_001173498.2); short protein forms E401*, E402*.
Identifiers: ClinVar variation 1964157 (VCV001964157.5), dbSNP rs370760999, ClinGen allele CA404247892.
Genomic context (GRCh38, chr19:12,658,250, plus strand): 5'-GCTGCATGCCCCCTCTAGCCCGGCTCCTACCCACCTGCAGGAAGTTGTAGCTGAGGCGCT[C>A]GTAGCGTTTGAGGGCCGGCCGACTGGAAAAGTAACCGGTCCAGAACTGGTGGGGGCCATC-3'

ClinVar aggregate classification (germline): Pathogenic (1 of 4 stars; one submission).

Conditions:
Deficiency of alpha-mannosidase (MANSA). Also called: LYSOSOMAL ALPHA-D-MANNOSIDASE DEFICIENCY; Alpha-Mannosidosis; Mannosidosis, alpha-, types I and II. Identifiers: Orphanet 61, MedGen C0024748, MONDO:0009561, OMIM 248500.

Submission:

Labcorp Genetics (formerly Invitae), Labcorp
Classification: Pathogenic for Deficiency of alpha-mannosidase. Last evaluated: 2025-04-28. Review status: criteria provided, single submitter. Criteria: Invitae Variant Classification Sherloc (09022015). Collection method: clinical testing. Allele origin: germline.
Comment: This sequence change creates a premature translational stop signal (p.Glu402*) in the MAN2B1 gene. It is expected to result in an absent or disrupted protein product. Loss-of-function variants in MAN2B1 are known to be pathogenic (PMID: 9915946, 22161967). This variant is not present in population databases (gnomAD no frequency). This variant has not been reported in the literature in individuals affected with MAN2B1-related conditions. ClinVar contains an entry for this variant (Variation ID: 1964157). For these reasons, this variant has been classified as Pathogenic.

Literature cited by the submitters: PubMed 9915946; PubMed 22161967.